The following is an entry in ClinVar:

NM_014271.4(IL1RAPL1):c.1205A>G (p.Asn402Ser)

Gene: IL1RAPL1 (interleukin 1 receptor accessory protein like 1; plus strand). Cytogenetic location: Xp21.2.
Variant type: single nucleotide variant.
Coding change: c.1205A>G on transcript NM_014271.4 (MANE Select); coding-DNA position 1205, A replaced by G.
Protein change: p.Asn402Ser; replaces asparagine 402 with serine.
Molecular consequence: missense variant.
Genome position (GRCh38, 1-based): chrX:29,954,525, A>G. VCF-style: chrX-29954525-A-G. GRCh37 (hg19) VCF-style: chrX-29972642-A-G.
Other names: c.1205A>G (NM_014271.3); short protein forms N402S.
Identifiers: ClinVar variation 810541 (VCV000810541.42), dbSNP rs1427250835, ClinGen allele CA412633676.
Genomic context (GRCh38, chrX:29,954,525, plus strand): 5'-CCTATTGTTATCTTTGTAGAGTAGTGACTTCGACTTTTCTTTGGAATTTTTTGACAGACA[A>G]TAAAGATTATGATGCATACTTATCATACACCAAAGTGGATCCTGACCAGTGGAATCAAGA-3'
Protein context (NP_055086.1, residues 392-412): HFGAEELDGD[Asn402Ser]KDYDAYLSYT

ClinVar aggregate classification (germline): Uncertain significance. Review status: criteria provided, multiple submitters, no conflicts (2 of 4 stars). 2 submissions from 2 submitters: Uncertain significance (2). Last evaluated 2023-09-25.

Conditions:
IL1RAPL1-related disorder. Also called: IL1RAPL1-related condition.

Allele frequency attached by ClinVar (database versions not stated): gnomAD 0.00001; gnomAD exomes 0.00001; TOPMed 0.00001.
gnomAD v4.1: 11 of 1,206,043 alleles (0.00091%); highest among the groups gnomAD compares: Admixed American, 0.0087%; no homozygotes.

Submissions (2):

PreventionGenetics, part of Exact Sciences
Classification: Uncertain significance for IL1RAPL1-related condition. Last evaluated: 2023-09-25. Review status: criteria provided, single submitter. Criteria: ACMG Guidelines, 2015. Collection method: clinical testing. Allele origin: germline.
Comment: The IL1RAPL1 c.1205A>G variant is predicted to result in the amino acid substitution p.Asn402Ser. To our knowledge, this variant has not been reported in the literature. This variant is reported in 0.0037% of alleles in individuals of Latino descent in gnomAD, including one hemizygous individual. At this time, the clinical significance of this variant is uncertain due to the absence of conclusive functional and genetic evidence.

CeGaT Center for Human Genetics Tuebingen
Classification: Uncertain significance. Last evaluated: 2016-10-01. Review status: criteria provided, single submitter. Criteria: CeGaT Center For Human Genetics Tuebingen Variant Classification Criteria Version 2. Collection method: clinical testing. Allele origin: germline. Affected: yes. Observed: 1 variant allele.